The following is an entry in ClinVar:

NM_002439.5(MSH3):c.743T>C (p.Leu248Ser)

Gene: MSH3 (mutS homolog 3; plus strand). Cytogenetic location: 5q14.1.
Variant type: single nucleotide variant.
Coding change: c.743T>C on transcript NM_002439.5 (MANE Select); coding-DNA position 743, T replaced by C.
Protein change: p.Leu248Ser; replaces leucine 248 with serine.
Molecular consequence: missense variant.
Genome position (GRCh38, 1-based): chr5:80,670,260, T>C. VCF-style: chr5-80670260-T-C. GRCh37 (hg19) VCF-style: chr5-79966079-T-C.
Other names: short protein forms L248S.
Identifiers: ClinVar variation 1758930 (VCV001758930.5), dbSNP rs2546721201, ClinGen allele CA360266921.

ClinVar aggregate classification (germline): Uncertain significance. Review status: criteria provided, multiple submitters, no conflicts (2 of 4 stars). 2 submissions from 2 submitters: Uncertain significance (2). Last evaluated 2023-10-17.

Conditions:
Hereditary cancer-predisposing syndrome. Also called: Neoplastic Syndromes, Hereditary; Tumor predisposition; Hereditary Cancer Syndrome; Hereditary neoplastic syndrome. Identifiers: Orphanet 140162, MedGen C0027672, MeSH D009386, MONDO:0015356.

Submissions (2):

Labcorp Genetics (formerly Invitae), Labcorp
Classification: Uncertain significance. Last evaluated: 2023-10-17. Review status: criteria provided, single submitter. Criteria: Invitae Variant Classification Sherloc (09022015). Collection method: clinical testing. Allele origin: germline.
Comment: This sequence change replaces leucine, which is neutral and non-polar, with serine, which is neutral and polar, at codon 248 of the MSH3 protein (p.Leu248Ser). This variant is not present in population databases (gnomAD no frequency). This variant has not been reported in the literature in individuals affected with MSH3-related conditions. ClinVar contains an entry for this variant (Variation ID: 1758930). An algorithm developed to predict the effect of missense changes on protein structure and function (PolyPhen-2) suggests that this variant is likely to be disruptive. In summary, the available evidence is currently insufficient to determine the role of this variant in disease. Therefore, it has been classified as a Variant of Uncertain Significance.

Ambry Genetics
Classification: Uncertain significance for Hereditary cancer-predisposing syndrome. Last evaluated: 2020-07-22. Review status: criteria provided, single submitter. Criteria: Ambry Variant Classification Scheme 2023. Collection method: clinical testing. Allele origin: germline.
Comment: The p.L248S variant (also known as c.743T>C), located in coding exon 4 of the MSH3 gene, results from a T to C substitution at nucleotide position 743. The leucine at codon 248 is replaced by serine, an amino acid with dissimilar properties. This amino acid position is highly conserved in available vertebrate species. In addition, this alteration is predicted to be deleterious by in silico analysis. Since supporting evidence is limited at this time, the clinical significance of this alteration remains unclear.